The following is an entry in ClinVar:

NM_174878.3(CLRN1):c.660C>T (p.Asp220=)

Gene: CLRN1 (clarin 1; minus strand). Cytogenetic location: 3q25.1.
Variant type: single nucleotide variant.
Coding change: c.660C>T on transcript NM_174878.3 (MANE Select); coding-DNA position 660, C replaced by T.
Protein change: p.Asp220=; no amino-acid change (aspartic acid 220 retained).
Molecular consequence: synonymous variant. On other transcripts: 3 prime UTR variant (1), non-coding transcript variant (1), intron variant (1).
Genome position (GRCh38, 1-based): chr3:150,927,975, G>A on the plus strand (C>T on the coding strand, the complement: CLRN1 is on the minus strand). VCF-style: chr3-150927975-G-A. GRCh37 (hg19) VCF-style: chr3-150645762-G-A.
Other names: c.699C>T, p.Asp233= (NM_001195794.1); c.*274C>T (NM_001256819.2); c.342+90C>T (NM_052995.2).
Identifiers: ClinVar variation 178318 (VCV000178318.25), dbSNP rs148752352, ClinGen allele CA182098.
Genomic context (GRCh38, chr3:150,927,975, plus strand): 5'-AATTATAGAAAGGTTTGCCTTTCAGTACATTAGATCTGCAGCTACATTAGTTGTTTCTGC[G>A]TCTTTAGATTTTGCAAAAGGGAACTGAAATCCAGCAAGTCGTATTAGGAGCCCATTCAGA-3'
Protein context (NP_777367.1, residues 210-230): GFQFPFAKSK[Asp220=]AETTNVAADL

ClinVar aggregate classification (germline): Conflicting classifications of pathogenicity. Review status: criteria provided, conflicting classifications (1 of 4 stars). 9 submissions from 9 submitters: Uncertain significance (1); Likely benign (5). 3 of the submissions do not count toward it. Last evaluated 2026-08-01.

Conditions:
Usher syndrome type 3A (USH3A). Also called: USHER SYNDROME, TYPE IIIA. Identifiers: MedGen C5779850, MONDO:0010170, OMIM 276902.
Usher syndrome type 3. Also called: Usher Syndrome, Type III. Identifiers: Orphanet 231183, MedGen C1568248, MONDO:0016485.

Allele frequency attached by ClinVar (database versions not stated): ESP Exome Variant Server 0.00015; gnomAD exomes 0.00020 and 0.00039; gnomAD 0.00022 and 0.00023; ExAC 0.00028; TOPMed 0.00039; 1000 Genomes Project 0.00060; 1000 Genomes Project 30x 0.00062.
gnomAD v4.1: 368 of 1,614,120 alleles (0.023%); highest among the groups gnomAD compares: Middle Eastern, 0.2%; no homozygotes.

Submissions (9):

CeGaT Center for Human Genetics Tuebingen
Classification: Likely benign. Last evaluated: 2026-08-01. Review status: criteria provided, single submitter. Criteria: CeGaT Center For Human Genetics Tuebingen Variant Classification Criteria Version 2. Collection method: clinical testing. Allele origin: germline. Affected: yes. Observed: 1 variant allele.
Comment: CLRN1: BP4, BP7

Labcorp Genetics (formerly Invitae), Labcorp
Classification: Likely benign. Last evaluated: 2026-01-12. Review status: criteria provided, single submitter. Criteria: Invitae Variant Classification Sherloc (09022015). Collection method: clinical testing. Allele origin: germline.

Blueprint Genetics
Classification: Likely benign. Last evaluated: 2024-10-24. Review status: criteria provided, single submitter. Criteria: ACMG Guidelines, 2015. Collection method: clinical testing. Allele origin: germline.

GeneDx
Classification: Likely benign. Last evaluated: 2020-03-27. Review status: criteria provided, single submitter. Criteria: GeneDx Variant Classification Process June 2021. Collection method: clinical testing. Allele origin: germline. Affected: yes.

Illumina Laboratory Services, Illumina
Classification: Uncertain significance for Usher syndrome type 3A. Last evaluated: 2018-01-13. Review status: criteria provided, single submitter. Criteria: ICSL Variant Classification Criteria 13 December 2019. Collection method: clinical testing. Allele origin: germline.

Laboratory for Molecular Medicine, Mass General Brigham Personalized Medicine
Classification: Likely benign. Last evaluated: 2012-04-30. Review status: criteria provided, single submitter. Criteria: LMM Criteria. Collection method: clinical testing. Allele origin: germline. Observed: 2 variant alleles.
Comment: Asp220Asp in Exon 03 of CLRN1: This variant is not expected to have clinical sig nificance because it does not alter an amino acid residue, is not located within the splice consensus sequence, and has been identified in 1/7020 European Ameri can chromosomes from a broad population by the NHLBI Exome Sequencing Project (dbSNP rs148752352).

Natera, Inc.
Classification: Likely benign for Usher syndrome type 3A. Last evaluated: 2020-09-16. Review status: no assertion criteria provided. Collection method: clinical testing. Allele origin: germline. Not counted in ClinVar's aggregate classification.

Clinical Genetics DNA and cytogenetics Diagnostics Lab, Erasmus MC, Erasmus Medical Center
Classification: Likely benign. Review status: no assertion criteria provided. Collection method: clinical testing. Allele origin: germline. Affected: yes. Study: VKGL Data-share Consensus. Not counted in ClinVar's aggregate classification.

Clinical Genetics, Academic Medical Center
Classification: Likely benign. Review status: no assertion criteria provided. Collection method: clinical testing. Allele origin: germline. Affected: yes. Study: VKGL Data-share Consensus. Not counted in ClinVar's aggregate classification.